The following is an entry in ClinVar:

GRCh37/hg19 9q34.12(chr9:133814416-133931621)x3

Genes: FIBCD1 (fibrinogen C domain containing 1; minus strand), LAMC3 (laminin subunit gamma 3; plus strand). Cytogenetic location: 9q34.12.
Variant type: copy number gain.
Change: copy number 3 (three copies instead of two) of chr9:133,814,416-133,931,621 (117.2 kb, GRCh37 coordinates, 1-based), cytogenetic band 9q34.12.
Identifiers: ClinVar variation 395302 (VCV000395302.3).

ClinVar aggregate classification (germline): Benign/Likely benign (0 of 4 stars; one submission).

Submission:

ISCA Site 6
Classification: Benign/Likely benign. Review status: no assertion criteria provided. Collection method: clinical testing. Allele origin: unknown. Affected: yes. Observed: 5 variant alleles. Clinical features observed: Developmental delay AND/OR other significant developmental or morphological phenotypes.
Comment: Likely benign (4), Benign (1)

Copy number variation identified through the course of routine clinical cytogenomic testing in postnatal populations, with clinical assertions as classified by the original submitter. For data from the original published study, Kaminsky, et al. 2011 (PubMed 21844811), please see nstd101.